The following is an entry in ClinVar:

NM_014423.4(AFF4):c.647C>G (p.Pro216Arg)

Gene: AFF4 (ALF transcription elongation factor 4; minus strand). Cytogenetic location: 5q31.1.
Variant type: single nucleotide variant.
Coding change: c.647C>G on transcript NM_014423.4 (MANE Select); coding-DNA position 647, C replaced by G.
Protein change: p.Pro216Arg; replaces proline 216 with arginine.
Molecular consequence: missense variant.
Genome position (GRCh38, 1-based): chr5:132,934,418, G>C on the plus strand (C>G on the coding strand, the complement: AFF4 is on the minus strand). VCF-style: chr5-132934418-G-C. GRCh37 (hg19) VCF-style: chr5-132270110-G-C.
Other names: short protein forms P216R.
Identifiers: ClinVar variation 1368539 (VCV001368539.8), dbSNP rs2150098464, ClinGen allele CA360959285.

ClinVar aggregate classification (germline): Uncertain significance (1 of 4 stars; one submission).

Conditions:
Cognitive impairment - coarse facies - heart defects - obesity - pulmonary involvement - short stature - skeletal dysplasia syndrome. Also called: COGNITIVE IMPAIRMENT, COARSE FACIES, HEART DEFECTS, OBESITY, PULMONARY INVOLVEMENT, SHORT STATURE, AND SKELETAL DYSPLASIA; Chops syndrome; AFF4-Related CHOPS Syndrome. Identifiers: Orphanet 444077, MedGen C4085597, MONDO:0014609, OMIM 616368.

Submission:

Labcorp Genetics (formerly Invitae), Labcorp
Classification: Uncertain significance for Cognitive impairment - coarse facies - heart defects - obesity - pulmonary involvement - short stature - skeletal dysplasia syndrome. Last evaluated: 2021-07-19. Review status: criteria provided, single submitter. Criteria: Invitae Variant Classification Sherloc (09022015). Collection method: clinical testing. Allele origin: germline.
Comment: This sequence change replaces proline with arginine at codon 216 of the AFF4 protein (p.Pro216Arg). The proline residue is highly conserved and there is a moderate physicochemical difference between proline and arginine. This variant is not present in population databases (ExAC no frequency). This variant has not been reported in the literature in individuals affected with AFF4-related conditions. Algorithms developed to predict the effect of missense changes on protein structure and function are either unavailable or do not agree on the potential impact of this missense change (SIFT: "Tolerated"; PolyPhen-2: "Probably Damaging"; Align-GVGD: "Class C0"). In summary, the available evidence is currently insufficient to determine the role of this variant in disease. Therefore, it has been classified as a Variant of Uncertain Significance.